The following is an entry in ClinVar:

NM_001164508.2(NEB):c.5343+1G>C

Gene: NEB (nebulin; minus strand). Cytogenetic location: 2q23.3.
Variant type: single nucleotide variant.
Coding change: c.5343+1G>C on transcript NM_001164508.2 (MANE Select); the canonical splice donor site of the intron after coding-DNA position 5343, G replaced by C.
Molecular consequence: splice donor variant.
Genome position (GRCh38, 1-based): chr2:151,664,758, C>G on the plus strand (G>C on the coding strand, the complement: NEB is on the minus strand). VCF-style: chr2-151664758-C-G. GRCh37 (hg19) VCF-style: chr2-152521272-C-G.
Other names: c.5343+1G>C (NM_004543.5, NM_001164507.2, NM_001271208.2).
Identifiers: ClinVar variation 3632926 (VCV003632926.2).

ClinVar aggregate classification (germline): Likely pathogenic (1 of 4 stars; one submission).

Conditions:
Nemaline myopathy 2 (NEM2). Also called: Nemaline myopathy 2, autosomal recessive. Identifiers: MedGen C1850569, MONDO:0009725, OMIM 256030.

gnomAD v4.1: 1 of 1,602,986 alleles (0.000062%); highest among the groups gnomAD compares: Non-Finnish European, 0.000085%; no homozygotes.

Submission:

Labcorp Genetics (formerly Invitae), Labcorp
Classification: Likely pathogenic for Nemaline myopathy 2. Last evaluated: 2024-02-01. Review status: criteria provided, single submitter. Criteria: Invitae Variant Classification Sherloc (09022015). Collection method: clinical testing. Allele origin: germline.
Comment: This sequence change affects a donor splice site in intron 43 of the NEB gene. It is expected to disrupt RNA splicing. Variants that disrupt the donor or acceptor splice site typically lead to a loss of protein function (PMID: 16199547), and loss-of-function variants in NEB are known to be pathogenic (PMID: 25205138). This variant is not present in population databases (gnomAD no frequency). Disruption of this splice site has been observed in individual(s) with nemaline myopathy (PMID: 33742414). Algorithms developed to predict the effect of sequence changes on RNA splicing suggest that this variant may disrupt the consensus splice site. In summary, the currently available evidence indicates that the variant is pathogenic, but additional data are needed to prove that conclusively. Therefore, this variant has been classified as Likely Pathogenic.

Literature cited by the submitters: PubMed 16199547; PubMed 25205138; PubMed 33742414.